The following is an entry in ClinVar:

ClinVar aggregate classification (germline): Uncertain significance (1 of 4 stars; one submission).

gnomAD v4.1: 1 of 1,613,326 alleles (0.000062%); highest among the groups gnomAD compares: Admixed American, 0.0017%; no homozygotes.

Submission:

GeneDx
Classification: Uncertain significance. Last evaluated: 2024-12-27. Review status: criteria provided, single submitter. Criteria: GeneDx Variant Classification Process June 2021. Collection method: clinical testing. Allele origin: germline. Affected: yes.
Comment: Not observed at significant frequency in large population cohorts (gnomAD); In silico analysis supports that this missense variant has a deleterious effect on protein structure/function; Has not been previously published as pathogenic or benign to our knowledge; Occurs in the triple helical domain at the X position in the canonical Gly-X-Y repeat; although this variant may have an effect on normal protein folding and function, missense substitution at the X position is not a common mechanism of disease (HGMD)

NM_000090.4(COL3A1):c.3215C>T (p.Pro1072Leu)

Gene: COL3A1 (collagen type III alpha 1 chain; plus strand). Cytogenetic location: 2q32.2.
Variant type: single nucleotide variant.
Coding change: c.3215C>T on transcript NM_000090.4 (MANE Select); coding-DNA position 3215, C replaced by T.
Protein change: p.Pro1072Leu; replaces proline 1072 with leucine.
Molecular consequence: missense variant.
Genome position (GRCh38, 1-based): chr2:189,006,950, C>T. VCF-style: chr2-189006950-C-T. GRCh37 (hg19) VCF-style: chr2-189871676-C-T.
Other names: short protein forms P1072L.
Identifiers: ClinVar variation 3907776 (VCV003907776.1).